The following is an entry in ClinVar:

NM_001698.3(AUH):c.445A>G (p.Met149Val)

Gene: AUH (AU RNA binding methylglutaconyl-CoA hydratase; minus strand). Cytogenetic location: 9q22.31.
Variant type: single nucleotide variant.
Coding change: c.445A>G on transcript NM_001698.3 (MANE Select); coding-DNA position 445, A replaced by G.
Protein change: p.Met149Val; replaces methionine 149 with valine.
Molecular consequence: missense variant. On other transcripts: intron variant (1).
Genome position (GRCh38, 1-based): chr9:91,325,378, T>C on the plus strand (A>G on the coding strand, the complement: AUH is on the minus strand). VCF-style: chr9-91325378-T-C. GRCh37 (hg19) VCF-style: chr9-94087660-T-C.
Other names: c.118A>G, p.Met40Val (NM_001351431.2, NM_001351432.2, NM_001351433.2); c.419-27302A>G (NM_001306190.2); short protein forms M149V, M40V.
Identifiers: ClinVar variation 2092983 (VCV002092983.4), dbSNP rs2538069856, ClinGen allele CA373837168.

ClinVar aggregate classification (germline): Uncertain significance (1 of 4 stars; one submission).

Conditions:
3-methylglutaconic aciduria type 1 (MGCA1). Identifiers: Orphanet 67046, MedGen C0342727, MONDO:0009610, OMIM 250950.

Allele frequency attached by ClinVar (database versions not stated): gnomAD exomes below 0.00001.

Submission:

Labcorp Genetics (formerly Invitae), Labcorp
Classification: Uncertain significance for 3-methylglutaconic aciduria type 1. Last evaluated: 2025-05-12. Review status: criteria provided, single submitter. Criteria: Invitae Variant Classification Sherloc (09022015). Collection method: clinical testing. Allele origin: germline.
Comment: This sequence change replaces methionine, which is neutral and non-polar, with valine, which is neutral and non-polar, at codon 149 of the AUH protein (p.Met149Val). This variant is not present in population databases (gnomAD no frequency). This variant has not been reported in the literature in individuals affected with AUH-related conditions. ClinVar contains an entry for this variant (Variation ID: 2092983). Invitae Evidence Modeling of protein sequence and biophysical properties (such as structural, functional, and spatial information, amino acid conservation, physicochemical variation, residue mobility, and thermodynamic stability) indicates that this missense variant is not expected to disrupt AUH protein function with a negative predictive value of 80%. In summary, the available evidence is currently insufficient to determine the role of this variant in disease. Therefore, it has been classified as a Variant of Uncertain Significance.